The following is an entry in ClinVar:

ClinVar aggregate classification (germline): Uncertain significance. Review status: criteria provided, multiple submitters, no conflicts (2 of 4 stars). 2 submissions from 2 submitters: Uncertain significance (2). Last evaluated 2025-12-02.

Conditions:
Long QT syndrome (LQTS). Identifiers: MedGen C0023976, MeSH D008133, MONDO:0002442. Disease mechanism: loss of function. Inheritance: Various modes of inheritance.

Allele frequency attached by ClinVar (database versions not stated): gnomAD exomes below 0.00001.
gnomAD v4.1: 3 of 1,614,008 alleles (0.00019%); highest among the groups gnomAD compares: Non-Finnish European, 0.00025%; no homozygotes.

Submissions (2):

Labcorp Genetics (formerly Invitae), Labcorp
Classification: Uncertain significance for Long QT syndrome. Last evaluated: 2025-12-02. Review status: criteria provided, single submitter. Criteria: Invitae Variant Classification Sherloc (09022015). Collection method: clinical testing. Allele origin: germline.
Comment: This sequence change replaces proline, which is neutral and non-polar, with arginine, which is basic and polar, at codon 2240 of the ANK2 protein (p.Pro2240Arg). This variant is not present in population databases (gnomAD no frequency). This variant has not been reported in the literature in individuals affected with ANK2-related conditions. ClinVar contains an entry for this variant (Variation ID: 1042390). Invitae Evidence Modeling of protein sequence and biophysical properties (such as structural, functional, and spatial information, amino acid conservation, physicochemical variation, residue mobility, and thermodynamic stability) indicates that this missense variant is not expected to disrupt ANK2 protein function with a negative predictive value of 80%. In summary, the available evidence is currently insufficient to determine the role of this variant in disease. Therefore, it has been classified as a Variant of Uncertain Significance.

Blueprint Genetics
Classification: Uncertain significance. Last evaluated: 2023-09-15. Review status: criteria provided, single submitter. Criteria: ACMG Guidelines, 2015. Collection method: clinical testing. Allele origin: germline.

NM_001148.6(ANK2):c.6719C>G (p.Pro2240Arg)

Gene: ANK2 (ankyrin 2; plus strand). Cytogenetic location: 4q26.
Variant type: single nucleotide variant.
Coding change: c.6719C>G on transcript NM_001148.6 (MANE Select); coding-DNA position 6719, C replaced by G.
Protein change: p.Pro2240Arg; replaces proline 2240 with arginine.
Molecular consequence: missense variant. On other transcripts: intron variant (68).
Genome position (GRCh38, 1-based): chr4:113,355,337, C>G. VCF-style: chr4-113355337-C-G. GRCh37 (hg19) VCF-style: chr4-114276493-C-G.
Other names: c.6485C>G, p.Pro2162Arg (NM_001386142.1); c.3119C>G, p.Pro1040Arg (NM_001386166.1); c.6860C>G, p.Pro2287Arg (NM_001386174.1); c.6836C>G, p.Pro2279Arg (NM_001386175.1); c.4411+5088C>G (NM_001386186.2, NM_001386148.2); c.4213+5088C>G (NM_001354269.3); c.4291+5088C>G (NM_001386187.2); c.4252+5088C>G (NM_001386147.1); and 35 more; short protein forms P2240R, P2287R, P1040R, P2162R, P2279R.
Identifiers: ClinVar variation 1042390 (VCV001042390.6), dbSNP rs2095683457, ClinGen allele CA357925257.